The following is an entry in ClinVar:

NM_001005242.3(PKP2):c.2392del (p.Val798fs)

Gene: PKP2 (plakophilin 2; minus strand). Cytogenetic location: 12p11.21.
Variant type: Deletion.
Coding change: c.2392del on transcript NM_001005242.3 (MANE Select); coding-DNA position 2392, one base deleted (G; older notation c.2392delG).
Protein change: p.Val798fs; shifts the reading frame from valine 798.
Molecular consequence: frameshift variant.
Genome position (GRCh38, 1-based): chr12:32,792,697, C deleted on the plus strand (G on the coding strand, the reverse complement: PKP2 is on the minus strand). VCF-style (leftmost placement, unchanged base first): chr12-32792696-AC-A. GRCh37 (hg19) VCF-style: chr12-32945630-AC-A.
Other names: c.2202del, p.Ser735fs (NM_001407155.1); c.2227del, p.Val743fs (NM_001407156.1); c.2065del, p.Val689fs (NM_001407158.1, NM_001407159.1); c.1875del, p.Ser626fs (NM_001407160.1); c.2524del, p.Val842fs (NM_004572.4); short protein forms S626fs, S735fs, V689fs, V743fs, V798fs, V842fs.
Identifiers: ClinVar variation 3387461 (VCV003387461.2).

ClinVar aggregate classification (germline): Likely pathogenic. Review status: criteria provided, multiple submitters, no conflicts (2 of 4 stars). 2 submissions from 2 submitters: Likely pathogenic (2). Last evaluated 2024-06-09.

Conditions:
Arrhythmogenic right ventricular cardiomyopathy (ARVD). Also called: Arrhythmogenic right ventricular dysplasia; Cardiomyopathy, ARVC; Arrhythmogenic cardiomyopathy; Arrhythmogenic Right Ventricular Cardiomyopathy (ARVC). Identifiers: Orphanet 247, MedGen C0349788, MeSH D019571, MONDO:0016587. Disease mechanism: loss of function. Inheritance: Various modes of inheritance.
Cardiomyopathy (CMYO). Also called: Cardiomyopathies. Identifiers: Orphanet 167848, MedGen C0878544, MONDO:0004994, HP:0001638. Inheritance: Various modes of inheritance.

Submissions (2):

All of Us Research Program, National Institutes of Health
Classification: Likely pathogenic for Arrhythmogenic right ventricular cardiomyopathy. Last evaluated: 2024-06-09. Review status: criteria provided, single submitter. Criteria: ACMG Guidelines, 2015. Collection method: clinical testing. Allele origin: germline. Inheritance: Autosomal dominant inheritance. Observed: 1 variant allele, 1 heterozygote.
Comment: This variant (c.2524del, p.Val842Serfs\*89) causes a deletion of 1 nucleotide in exon 13 of the PKP2 gene and creates a frameshift. This is expected to result in the replacement of the last 40 amino acids at the 3' terminus of the PKP2 protein with 88 aberrant amino acids, C-terminally extending the length of the protein. To our knowledge, functional studies have not been reported for this variant nor has this variant been reported in individuals affected with PKP2-related disorders in the literature. This variant has not been identified in the general population by the Genome Aggregation Database (gnomAD). Similar C-terminal extension variants p.Ser837Valfs\*94 and p.Glu852Asnfs\*79 are reported as disease-causing and have been observed in many individuals affected with arrhythmogenic right ventricular cardiomyopathy (ClinVar variation ID: 177995, 464426). Based on the available evidence, this variant is classified as Likely Pathogenic.

This study involves interpretation of variants in research participants for the purpose of population health screening. Participant phenotype was not available at the time of variant classification. Additional details can be found in publication PMID: 35346344, PMCID: PMC8962531

Color Diagnostics, LLC DBA Color Health
Classification: Likely pathogenic for Cardiomyopathy. Last evaluated: 2024-03-29. Review status: criteria provided, single submitter. Criteria: ACMG Guidelines, 2015. Collection method: clinical testing. Allele origin: germline.
Comment: This variant (c.2524del, p.Val842Serfs\\*89) causes a deletion of 1 nucleotide in exon 13 of the PKP2 gene and creates a frameshift. This is expected to result in the replacement of the last 40 amino acids at the 3' terminus of the PKP2 protein with 88 aberrant amino acids, C-terminally extending the length of the protein. To our knowledge, functional studies have not been reported for this variant nor has this variant been reported in individuals affected with PKP2-related disorders in the literature. This variant has not been identified in the general population by the Genome Aggregation Database (gnomAD). Similar C-terminal extension variants p.Ser837Valfs\\*94 and p.Glu852Asnfs\\*79 are reported as disease-causing and have been observed in many individuals affected with arrhythmogenic right ventricular cardiomyopathy (ClinVar variation ID: 177995, 464426). Based on the available evidence, this variant is classified as Likely Pathogenic.